The following is an entry in ClinVar:

ClinVar aggregate classification (germline): Uncertain significance. Review status: criteria provided, multiple submitters, no conflicts (2 of 4 stars). 4 submissions from 4 submitters: Uncertain significance (4). Last evaluated 2026-01-18.

Conditions:
Hereditary cancer-predisposing syndrome. Also called: Tumor predisposition; Hereditary neoplastic syndrome; Neoplastic Syndromes, Hereditary; Hereditary Cancer Syndrome. Identifiers: Orphanet 140162, MedGen C0027672, MeSH D009386, MONDO:0015356.
EGFR-related lung cancer (EGFR). Identifiers: MedGen CN130014.

Allele frequency attached by ClinVar (database versions not stated): gnomAD exomes below 0.00001 and 0.00001; gnomAD 0.00001; TOPMed 0.00001; ESP Exome Variant Server 0.00008.
gnomAD v4.1: 20 of 1,611,204 alleles (0.0012%); highest among the groups gnomAD compares: Non-Finnish European, 0.0017%; no homozygotes.

Submissions (4):

Labcorp Genetics (formerly Invitae), Labcorp
Classification: Uncertain significance for EGFR-related lung cancer. Last evaluated: 2026-01-18. Review status: criteria provided, single submitter. Criteria: Invitae Variant Classification Sherloc (09022015). Collection method: clinical testing. Allele origin: germline.
Comment: This sequence change replaces proline, which is neutral and non-polar, with serine, which is neutral and polar, at codon 1090 of the EGFR protein (p.Pro1090Ser). The frequency data for this variant in the population databases is considered unreliable, as metrics indicate poor data quality at this position in the gnomAD database. This variant has not been reported in the literature in individuals affected with EGFR-related conditions. ClinVar contains an entry for this variant (Variation ID: 965676). An algorithm developed to predict the effect of missense changes on protein structure and function (PolyPhen-2) suggests that this variant is likely to be tolerated. In summary, the available evidence is currently insufficient to determine the role of this variant in disease. Therefore, it has been classified as a Variant of Uncertain Significance.

Dasa
Classification: Uncertain significance. Last evaluated: 2025-06-29. Review status: criteria provided, single submitter. Criteria: DASA Assertion Criteria. Collection method: clinical testing. Allele origin: germline.
Comment: NM_005228.5(EGFR):c.3268C>T (p.Pro1090Ser) is a missense variant that results in the substitution of proline with serine. This variant is rare in population databases. Computational prediction algorithms are consistent with a benign effect. The currently available literature and clinical evidence are not sufficient to establish a definitive association between this variant and the reported condition. Therefore, this variant is classified as a variant of uncertain significance.

Ambry Genetics
Classification: Uncertain significance for Hereditary cancer-predisposing syndrome. Last evaluated: 2025-03-12. Review status: criteria provided, single submitter. Criteria: Ambry Variant Classification Scheme 2023. Collection method: clinical testing. Allele origin: germline.
Comment: The p.P1090S variant (also known as c.3268C>T), located in coding exon 27 of the EGFR gene, results from a C to T substitution at nucleotide position 3268. The proline at codon 1090 is replaced by serine, an amino acid with similar properties. This amino acid position is highly conserved in available vertebrate species. In addition, this alteration is predicted to be tolerated by in silico analysis. Based on the available evidence, the clinical significance of this variant remains unclear.

Sema4
Classification: Uncertain significance for Hereditary cancer-predisposing syndrome. Last evaluated: 2021-05-18. Review status: criteria provided, single submitter. Criteria: Sema4 Curation Guidelines. Collection method: curation. Allele origin: germline.
Comment: The EGFR c.3268C>T (p.P1090S) variant has not been reported in the literature to our knowledge. It was observed in 1/110794 chromosomes of the Non-Finnish European subpopulation in the large and broad cohorts of the Genome Aggregation Database. The variant has been reported in ClinVar (Variation ID 965676). This variant involves a highly conserved amino acid, and computational analyses do not provide strong support for or against an impact to the protein, though these predictions have not been confirmed by published functional studies. The evidence is insufficient to meet ACMG/AMP criteria for classifying the variant as benign or pathogenic. Thus, the clinical significance of this variant is currently uncertain.

NM_005228.5(EGFR):c.3268C>T (p.Pro1090Ser)

Gene: EGFR (epidermal growth factor receptor; plus strand). Cytogenetic location: 7p11.2.
Variant type: single nucleotide variant.
Coding change: c.3268C>T on transcript NM_005228.5 (MANE Select); coding-DNA position 3268, C replaced by T.
Protein change: p.Pro1090Ser; replaces proline 1090 with serine.
Molecular consequence: missense variant.
Genome position (GRCh38, 1-based): chr7:55,202,622, C>T. VCF-style: chr7-55202622-C-T. GRCh37 (hg19) VCF-style: chr7-55270315-C-T.
Other names: c.3133C>T, p.Pro1045Ser (NM_001346897.2, NM_001346899.2); c.3268C>T, p.Pro1090Ser (NM_001346898.2); c.3109C>T, p.Pro1037Ser (NM_001346900.2); c.2467C>T, p.Pro823Ser (NM_001346941.2); short protein forms P1037S, P1045S, P1090S, P823S.
Identifiers: ClinVar variation 965676 (VCV000965676.12), dbSNP rs367870311, ClinGen allele CA158938622.